The following is an entry in ClinVar:

ClinVar aggregate classification (germline): Uncertain significance. Review status: criteria provided, multiple submitters, no conflicts (2 of 4 stars). 2 submissions from 2 submitters: Uncertain significance (2). Last evaluated 2025-01-23.

Allele frequency attached by ClinVar (database versions not stated): gnomAD exomes 0.00001.
gnomAD v4.1: 5 of 1,550,502 alleles (0.00032%); highest among the groups gnomAD compares: Non-Finnish European, 0.00017%; no homozygotes.

Submissions (2):

GeneDx
Classification: Uncertain significance. Last evaluated: 2025-01-23. Review status: criteria provided, single submitter. Criteria: GeneDx Variant Classification Process June 2021. Collection method: clinical testing. Allele origin: germline. Affected: yes.
Comment: Not observed at significant frequency in large population cohorts (gnomAD); In silico analysis supports that this missense variant has a deleterious effect on protein structure/function; Has not been previously published as pathogenic or benign to our knowledge

Labcorp Genetics (formerly Invitae), Labcorp
Classification: Uncertain significance. Last evaluated: 2022-02-10. Review status: criteria provided, single submitter. Criteria: Invitae Variant Classification Sherloc (09022015). Collection method: clinical testing. Allele origin: germline.
Comment: This sequence change replaces leucine, which is neutral and non-polar, with glutamine, which is neutral and polar, at codon 124 of the BEST1 protein (p.Leu124Gln). This variant is not present in population databases (gnomAD no frequency). This variant has not been reported in the literature in individuals affected with BEST1-related conditions. Advanced modeling of protein sequence and biophysical properties (such as structural, functional, and spatial information, amino acid conservation, physicochemical variation, residue mobility, and thermodynamic stability) performed at Invitae indicates that this missense variant is expected to disrupt BEST1 protein function. In summary, the available evidence is currently insufficient to determine the role of this variant in disease. Therefore, it has been classified as a Variant of Uncertain Significance.

NM_004183.4(BEST1):c.371T>A (p.Leu124Gln)

Gene: BEST1 (bestrophin 1; plus strand). Cytogenetic location: 11q12.3.
Variant type: single nucleotide variant.
Coding change: c.371T>A on transcript NM_004183.4 (MANE Select); coding-DNA position 371, T replaced by A.
Protein change: p.Leu124Gln; replaces leucine 124 with glutamine.
Molecular consequence: missense variant. On other transcripts: non-coding transcript variant (1).
Genome position (GRCh38, 1-based): chr11:61,955,841, T>A. VCF-style: chr11-61955841-T-A. GRCh37 (hg19) VCF-style: chr11-61723313-T-A.
Other names: c.191T>A, p.Leu64Gln (NM_001139443.3, NM_001300786.2, NM_001300787.2); c.53T>A, p.Leu18Gln (NM_001363591.3); c.371T>A, p.Leu124Gln (NM_001363592.2); c.-805T>A (NM_001363593.3); short protein forms L64Q, L18Q, L124Q.
Identifiers: ClinVar variation 1390728 (VCV001390728.9), dbSNP rs2134430916, ClinGen allele CA380834769.